The following is an entry in ClinVar:

NM_021813.4(BACH2):c.1206G>A (p.Val402=)

Gene: BACH2 (BACH transcriptional regulator 2; minus strand). Cytogenetic location: 6q15.
Variant type: single nucleotide variant.
Coding change: c.1206G>A on transcript NM_021813.4 (MANE Select); coding-DNA position 1206, G replaced by A.
Protein change: p.Val402=; no amino-acid change (valine 402 retained).
Molecular consequence: synonymous variant.
Genome position (GRCh38, 1-based): chr6:89,950,900, C>T on the plus strand (G>A on the coding strand, the complement: BACH2 is on the minus strand). VCF-style: chr6-89950900-C-T. GRCh37 (hg19) VCF-style: chr6-90660619-C-T.
Other names: c.1206G>A (NM_021813.3); c.1206G>A, p.Val402= (NM_001170794.2).
Identifiers: ClinVar variation 2965905 (VCV002965905.4), dbSNP rs753808630, ClinGen allele CA3928033.

ClinVar aggregate classification (germline): Likely benign. Review status: criteria provided, multiple submitters, no conflicts (2 of 4 stars). 2 submissions from 2 submitters: Likely benign (2). Last evaluated 2025-04-02.

Conditions:
BACH2-related disorder. Also called: BACH2-related condition.

Allele frequency attached by ClinVar (database versions not stated): gnomAD exomes 0.00001; ExAC 0.00002; TOPMed 0.00002; gnomAD 0.00001.
gnomAD v4.1: 12 of 1,597,736 alleles (0.00075%); highest among the groups gnomAD compares: Middle Eastern, 0.017%; no homozygotes.

Submissions (2):

PreventionGenetics, part of Exact Sciences
Classification: Likely benign for BACH2-related condition. Last evaluated: 2025-04-02. Review status: criteria provided, single submitter. Criteria: ACMG Guidelines, 2015. Collection method: clinical testing. Allele origin: germline.
Comment: This variant is classified as likely benign based on ACMG/AMP sequence variant interpretation guidelines (Richards et al. 2015 PMID: 25741868, with internal and published modifications).

Labcorp Genetics (formerly Invitae), Labcorp
Classification: Likely benign. Last evaluated: 2023-04-07. Review status: criteria provided, single submitter. Criteria: Invitae Variant Classification Sherloc (09022015). Collection method: clinical testing. Allele origin: germline.